The following is an entry in ClinVar:

NM_032043.3(BRIP1):c.3237T>G (p.Ile1079Met)

Gene: BRIP1 (BRCA1 interacting DNA helicase 1; minus strand). Cytogenetic location: 17q23.2.
Variant type: single nucleotide variant.
Coding change: c.3237T>G on transcript NM_032043.3 (MANE Select); coding-DNA position 3237, T replaced by G.
Protein change: p.Ile1079Met; replaces isoleucine 1079 with methionine.
Molecular consequence: missense variant.
Genome position (GRCh38, 1-based): chr17:61,683,809, A>C on the plus strand (T>G on the coding strand, the complement: BRIP1 is on the minus strand). VCF-style: chr17-61683809-A-C. GRCh37 (hg19) VCF-style: chr17-59761170-A-C.
Other names: short protein forms I1079M.
Identifiers: ClinVar variation 141336 (VCV000141336.24), dbSNP rs587781666, ClinGen allele CA165144.

ClinVar aggregate classification (germline): Conflicting classifications of pathogenicity. Review status: criteria provided, conflicting classifications (1 of 4 stars). 10 submissions from 10 submitters: Uncertain significance (7); Likely benign (2). 1 of the submissions does not count toward it. Last evaluated 2024-10-15.

Conditions:
Ovarian cancer. Also called: OVARIAN CANCER, SOMATIC. Identifiers: Orphanet 213500, MedGen C1140680, MONDO:0008170, OMIM 167000.
Fanconi anemia complementation group J. Also called: BRIP1-Related Fanconi Anemia. Identifiers: Orphanet 84, MedGen C1836860, MONDO:0012187, OMIM 609054.
Hereditary cancer-predisposing syndrome. Also called: Neoplastic Syndromes, Hereditary; Hereditary Cancer Syndrome; Tumor predisposition; Hereditary neoplastic syndrome. Identifiers: Orphanet 140162, MedGen C0027672, MeSH D009386, MONDO:0015356.
Familial cancer of breast. Also called: Hereditary breast cancer; hereditary breast carcinoma; BREAST CANCER, FAMILIAL. Identifiers: Orphanet 227535, MedGen C0346153, MONDO:0016419, OMIM 114480. Disease mechanism: loss of function.

Allele frequency attached by ClinVar (database versions not stated): gnomAD exomes below 0.00001 and 0.00001; ExAC 0.00002; TOPMed 0.00004; gnomAD 0.00005.
gnomAD v4.1: 9 of 1,614,074 alleles (0.00056%); highest among the groups gnomAD compares: African/African-American, 0.012%; no homozygotes.

Submissions (10):

Ambry Genetics
Classification: Likely benign for Hereditary cancer-predisposing syndrome. Last evaluated: 2024-10-15. Review status: criteria provided, single submitter. Criteria: Ambry Variant Classification Scheme 2023. Collection method: clinical testing. Allele origin: germline.

Labcorp Genetics (formerly Invitae), Labcorp
Classification: Uncertain significance for Familial cancer of breast; Fanconi anemia complementation group J. Last evaluated: 2024-09-04. Review status: criteria provided, single submitter. Criteria: Invitae Variant Classification Sherloc (09022015). Collection method: clinical testing. Allele origin: germline.
Comment: This sequence change replaces isoleucine, which is neutral and non-polar, with methionine, which is neutral and non-polar, at codon 1079 of the BRIP1 protein (p.Ile1079Met). This variant is present in population databases (rs587781666, gnomAD 0.02%). This variant has not been reported in the literature in individuals affected with BRIP1-related conditions. ClinVar contains an entry for this variant (Variation ID: 141336). An algorithm developed to predict the effect of missense changes on protein structure and function (PolyPhen-2) suggests that this variant¬¨‚Ä†is likely to be tolerated. In summary, the available evidence is currently insufficient to determine the role of this variant in disease. Therefore, it has been classified as a Variant of Uncertain Significance.

Blueprint Genetics
Classification: Likely benign. Last evaluated: 2024-05-22. Review status: criteria provided, single submitter. Criteria: ACMG Guidelines, 2015. Collection method: clinical testing. Allele origin: germline.

GeneDx
Classification: Uncertain significance. Last evaluated: 2023-10-26. Review status: criteria provided, single submitter. Criteria: GeneDx Variant Classification Process June 2021. Collection method: clinical testing. Allele origin: germline.
Comment: Not observed at significant frequency in large population cohorts (gnomAD); In silico analysis supports that this missense variant does not alter protein structure/function; Has not been previously published as pathogenic or benign to our knowledge

Myriad Genetics, Inc.
Classification: Uncertain significance for Familial cancer of breast. Last evaluated: 2023-03-01. Review status: criteria provided, single submitter. Criteria: Myriad Autosomal Dominant, Autosomal Recessive and X-Linked Classification Criteria (2023). Collection method: clinical testing. Allele origin: unknown.
Comment: This variant is classified as a variant of uncertain significance as there is insufficient evidence to determine its impact on protein function and/or cancer risk.

Color Diagnostics, LLC DBA Color Health
Classification: Uncertain significance for Hereditary cancer-predisposing syndrome. Last evaluated: 2022-01-27. Review status: criteria provided, single submitter. Criteria: ACMG Guidelines, 2015. Collection method: clinical testing. Allele origin: germline.
Comment: This missense variant replaces isoleucine with methionine at codon 1079 of the BRIP1 protein. Computational prediction suggests that this variant may not impact protein structure and function (internally defined REVEL score threshold <= 0.5, PMID: 27666373). To our knowledge, functional studies have not been reported for this variant. This variant has not been reported in individuals affected with hereditary cancer in the literature. In a large breast cancer case-control study, this variant has been observed in 0/60466 cases and 1/53460 controls; OR=0.442 (95%CI 0.015 to 13.178); p-value=0.469 (PMID: 33471991 - Leiden Open Variation Database DB-ID BRIP1_000301). This variant has been identified in 5/282650 chromosomes in the general population by the Genome Aggregation Database (gnomAD). The available evidence is insufficient to determine the role of this variant in disease conclusively. Therefore, this variant is classified as a Variant of Uncertain Significance.

Sema4
Classification: Uncertain significance for Hereditary cancer-predisposing syndrome. Last evaluated: 2021-12-10. Review status: criteria provided, single submitter. Criteria: Sema4 Curation Guidelines. Collection method: curation. Allele origin: germline.
Comment: To the best of our knowledge, the BRIP1 c.3237T>G (p.I1079M) variant has not been reported in individuals with BRIP1-related disease. This variant was observed in 5/24888 chromosomes in the African/African-American subpopulation, according to the Genome Aggregation Database (PMID: 32461654). This variant has been reported in ClinVar (Variation ID: 141336). In silico tools suggest the impact of the variant on protein function is benign, though these predictions have not been confirmed by functional studies. The evidence is insufficient to meet ACMG/AMP criteria for classifying the variant as benign or pathogenic. Thus, the clinical significance of this variant is currently uncertain.

Women's Health and Genetics/Laboratory Corporation of America, LabCorp
Classification: Uncertain significance. Last evaluated: 2018-11-12. Review status: criteria provided, single submitter. Criteria: LabCorp Variant Classification Summary - May 2015. Collection method: clinical testing. Allele origin: germline.
Comment: Variant summary: BRIP1 c.3237T>G (p.Ile1079Met) results in a conservative amino acid change in the encoded protein sequence. Five of five in-silico tools predict a benign effect of the variant on protein function. The variant allele was found at a frequency of 1.8e-05 in 277116 control chromosomes, predominantly at a frequency of 0.00021 within the African subpopulation in the gnomAD database, which does exceed the estimated maximum expected allele frequency for a pathogenic BRIP1 variant by 3-folds. However, the available data on variant occurrences in the general population are insufficient to allow any conclusion about variant significance. To our knowledge, no occurrence of c.3237T>G in individuals affected with Hereditary Breast and Ovarian Cancer and no experimental evidence demonstrating its impact on protein function have been reported. Three ClinVar submissions from clinical diagnostic laboratories (evaluation after 2014) cite the variant as uncertain significance. Based on the evidence outlined above, the variant was classified as uncertain significance.

Quest Diagnostics Nichols Institute San Juan Capistrano
Classification: Uncertain significance. Last evaluated: 2018-06-08. Review status: criteria provided, single submitter. Criteria: Quest Diagnostics criteria. Collection method: clinical testing. Allele origin: germline.

Counsyl
Classification: Uncertain significance for Fanconi anemia complementation group J; Ovarian cancer. Last evaluated: 2017-09-01. Review status: no assertion criteria provided. Collection method: clinical testing. Allele origin: unknown. Not counted in ClinVar's aggregate classification.

Literature cited by the submitters: PubMed 33471991 (cited by Color Diagnostics, LLC DBA Color Health).